The following is an entry in ClinVar:

NM_005629.4(SLC6A8):c.1037_1038del (p.Leu346fs)

Gene: SLC6A8 (solute carrier family 6 member 8; plus strand). Cytogenetic location: Xq28.
Variant type: Microsatellite.
Coding change: c.1037_1038del on transcript NM_005629.4 (MANE Select); coding-DNA positions 1037 to 1038, 2 bases deleted (TC; older notation c.1037_1038delTC).
Protein change: p.Leu346fs; shifts the reading frame from leucine 346.
Molecular consequence: frameshift variant. On other transcripts: intron variant (1).
Genome position (GRCh38, 1-based): chrX:153,693,482-153,693,483, TC deleted; deleting any 2 consecutive bases within chrX:153,693,479-153,693,483 gives the same sequence; the c. name uses the placement nearest the transcript's 3' end. VCF-style (leftmost placement, unchanged base first): chrX-153693478-GCT-G. GRCh37 (hg19) VCF-style: chrX-152958933-GCT-G.
Other names: c.692_693del, p.Leu231fs (NM_001142806.1); c.1017-10_1017-9del (NM_001142805.2); short protein forms L346fs, L231fs.
Identifiers: ClinVar variation 1416517 (VCV001416517.6), dbSNP rs2148363178, ClinGen allele CA2580612301.

ClinVar aggregate classification (germline): Pathogenic (1 of 4 stars; one submission).

Conditions:
Creatine transporter deficiency (CCDS1). Also called: CEREBRAL CREATINE DEFICIENCY SYNDROME 1; Mental retardation , X-linked with seizures, short stature and midface hypoplasia; Mental retardation , X-linked, with creatine transport deficiency; X-linked creatine transporter deficiency; X-linked creatine deficiency syndrome; SLC6A8-Related Creatine Transporter Deficiency. Identifiers: Orphanet 52503, MedGen C1845862, MONDO:0010305, OMIM 300352.

Submission:

Labcorp Genetics (formerly Invitae), Labcorp
Classification: Pathogenic for Creatine transporter deficiency. Last evaluated: 2022-01-12. Review status: criteria provided, single submitter. Criteria: Invitae Variant Classification Sherloc (09022015). Collection method: clinical testing. Allele origin: germline.
Comment: For these reasons, this variant has been classified as Pathogenic. This variant has not been reported in the literature in individuals affected with SLC6A8-related conditions. This variant is not present in population databases (gnomAD no frequency). This sequence change creates a premature translational stop signal (p.Leu346Hisfs*118) in the SLC6A8 gene. It is expected to result in an absent or disrupted protein product. Loss-of-function variants in SLC6A8 are known to be pathogenic (PMID: 22281021).

Literature cited by the submitters: PubMed 22281021.